The following is an entry in ClinVar:

ClinVar aggregate classification (germline): Conflicting classifications of pathogenicity. Review status: criteria provided, conflicting classifications (1 of 4 stars). 4 submissions from 4 submitters: Uncertain significance (1); Likely benign (2). 1 of the submissions does not count toward it. Last evaluated 2025-12-21.

Conditions:
DDX41-related disorder. Also called: DDX41-related condition.
Inborn genetic diseases. Identifiers: MedGen C0950123, MeSH D030342.

Allele frequency attached by ClinVar (database versions not stated): gnomAD exomes 0.00003 and 0.00002; ExAC 0.00001; gnomAD 0.00004; TOPMed 0.00008.
gnomAD v4.1: 39 of 1,613,932 alleles (0.0024%); highest among the groups gnomAD compares: Middle Eastern, 0.066%; no homozygotes.

Submissions (4):

Labcorp Genetics (formerly Invitae), Labcorp
Classification: Likely benign. Last evaluated: 2025-12-21. Review status: criteria provided, single submitter. Criteria: Invitae Variant Classification Sherloc (09022015). Collection method: clinical testing. Allele origin: germline.

Ambry Genetics
Classification: Likely benign for Inborn genetic diseases. Last evaluated: 2024-12-23. Review status: criteria provided, single submitter. Criteria: Ambry Variant Classification Scheme 2023. Collection method: clinical testing. Allele origin: germline.

GeneDx
Classification: Uncertain significance. Last evaluated: 2022-01-25. Review status: criteria provided, single submitter. Criteria: GeneDx Variant Classification Process June 2021. Collection method: clinical testing. Allele origin: germline. Affected: yes.
Comment: Has not been previously published as pathogenic or benign to our knowledge; In silico analysis, which includes splice predictors and evolutionary conservation, suggests this variant may impact gene splicing. In the absence of RNA/functional studies, the actual effect of this sequence change is unknown.

PreventionGenetics, part of Exact Sciences
Classification: Uncertain significance for DDX41-related condition. Last evaluated: 2024-07-03. Review status: no assertion criteria provided. Collection method: clinical testing. Allele origin: germline. Not counted in ClinVar's aggregate classification.
Comment: The DDX41 c.1308C>T variant is not predicted to result in an amino acid change (p.=). This variant is predicted to strengthen a cryptic splice acceptor site (SpliceAI, Jaganathan et al. 2019. PubMed ID: 30661751). To our knowledge, this variant has not been reported in the literature. This variant is reported in 0.0058% of alleles in individuals of Latino descent in gnomAD and has conflicting interpretations regarding its pathogenicity in ClinVar, ranging from uncertain signification to likely benign. At this time, the clinical significance of this variant is uncertain due to the absence of conclusive functional and genetic evidence.

NM_016222.4(DDX41):c.1308C>T (p.Leu436=)

Gene: DDX41 (DEAD-box helicase 41; minus strand). Cytogenetic location: 5q35.3.
Variant type: single nucleotide variant.
Coding change: c.1308C>T on transcript NM_016222.4 (MANE Select); coding-DNA position 1308, C replaced by T.
Protein change: p.Leu436=; no amino-acid change (leucine 436 retained).
Molecular consequence: synonymous variant.
Genome position (GRCh38, 1-based): chr5:177,512,871, G>A on the plus strand (C>T on the coding strand, the complement: DDX41 is on the minus strand). VCF-style: chr5-177512871-G-A. GRCh37 (hg19) VCF-style: chr5-176939872-G-A.
Other names: c.930C>T, p.Leu310= (NM_001321732.2, NM_001321830.2); c.1308C>T (NM_016222.3).
Identifiers: ClinVar variation 1698327 (VCV001698327.7), dbSNP rs767835537, ClinGen allele CA3584795.